The following is an entry in ClinVar:

NM_017780.4(CHD7):c.6817_6818del (p.Asn2273fs)

Gene: CHD7 (chromodomain helicase DNA binding protein 7; plus strand). Cytogenetic location: 8q12.2.
Variant type: Deletion.
Coding change: c.6817_6818del on transcript NM_017780.4 (MANE Select); coding-DNA positions 6817 to 6818, 2 bases deleted (AA; older notation c.6817_6818delAA).
Protein change: p.Asn2273fs; shifts the reading frame from asparagine 2273.
Molecular consequence: frameshift variant. On other transcripts: intron variant (1).
Genome position (GRCh38, 1-based): chr8:60,854,404-60,854,405, AA deleted. VCF-style (leftmost placement, unchanged base first): chr8-60854403-CAA-C. GRCh37 (hg19) VCF-style: chr8-61766962-CAA-C.
Other names: c.1717-7825_1717-7824del (NM_001316690.1); short protein forms N2273fs.
Identifiers: ClinVar variation 938241 (VCV000938241.7), dbSNP rs1805613575, ClinGen allele CA1139660562.

ClinVar aggregate classification (germline): Pathogenic (1 of 4 stars; one submission).

Conditions:
CHARGE syndrome (CHARGE). Also called: Hittner Hirsch Kreh syndrome; Coloboma, heart anomaly, choanal atresia, retardation, genital and ear anomalies; CHARGE association; Hall-Hittner syndrome; CHARGE ASSOCIATION--COLOBOMA, HEART ANOMALY, CHOANAL ATRESIA, RETARDATION, GENITAL AND EAR ANOMALIES. Identifiers: Orphanet 138, MedGen C0265354, MONDO:0008965.

Submission:

Labcorp Genetics (formerly Invitae), Labcorp
Classification: Pathogenic for CHARGE syndrome. Last evaluated: 2019-06-03. Review status: criteria provided, single submitter. Criteria: Invitae Variant Classification Sherloc (09022015). Collection method: clinical testing. Allele origin: germline.
Comment: This variant is not present in population databases (ExAC no frequency). For these reasons, this variant has been classified as Pathogenic. Loss-of-function variants in CHD7 are known to be pathogenic (PMID: 22461308, 25077900). This variant has not been reported in the literature in individuals with CHD7-related conditions. This sequence change creates a premature translational stop signal (p.Asn2273Cysfs*7) in the CHD7 gene. It is expected to result in an absent or disrupted protein product.

Literature cited by the submitters: PubMed 22461308; PubMed 25077900.